The following is an entry in ClinVar:

ClinVar aggregate classification (germline): Pathogenic (1 of 4 stars; one submission).

Submission:

GeneDx
Classification: Pathogenic. Last evaluated: 2025-05-28. Review status: criteria provided, single submitter. Criteria: GeneDx Variant Classification Process June 2021. Collection method: clinical testing. Allele origin: germline. Affected: yes.
Comment: Alters the last nucleotide of the exon and is predicted to destroy the splice donor site and result in aberrant splicing, although in the absence of functional evidence the actual effect of this sequence change is unknown; Not observed at significant frequency in large population cohorts (gnomAD); In silico analysis suggests that this missense variant does not alter protein structure/function; Has not been previously published as pathogenic or benign to our knowledge

NM_006035.4(CDC42BPB):c.2240G>A (p.Arg747Gln)

Gene: CDC42BPB (CDC42 binding protein kinase beta; minus strand). Cytogenetic location: 14q32.32.
Variant type: single nucleotide variant.
Coding change: c.2240G>A on transcript NM_006035.4 (MANE Select); coding-DNA position 2240, G replaced by A.
Protein change: p.Arg747Gln; replaces arginine 747 with glutamine.
Molecular consequence: missense variant.
Genome position (GRCh38, 1-based): chr14:102,968,472, C>T on the plus strand (G>A on the coding strand, the complement: CDC42BPB is on the minus strand). VCF-style: chr14-102968472-C-T. GRCh37 (hg19) VCF-style: chr14-103434809-C-T.
Other names: c.2240G>A, p.Arg747Gln (NM_001411054.1); short protein forms R747Q.
Identifiers: ClinVar variation 4532603 (VCV004532603.1).